The following is an entry in ClinVar:

ClinVar aggregate classification (germline): Uncertain significance (1 of 4 stars; one submission).

Conditions:
Familial acute necrotizing encephalopathy (IIAE3). Also called: ENCEPHALOPATHY, ACUTE, INFECTION-INDUCED, SUSCEPTIBILITY TO, 3; Susceptibility to Acute Necrotizing Encephalopathy 1. Identifiers: Orphanet 88619, MedGen C2675556, MONDO:0011953, OMIM 608033.

Allele frequency attached by ClinVar (database versions not stated): gnomAD 0.00001; gnomAD exomes 0.00002; TOPMed 0.00002; ExAC 0.00003.
gnomAD v4.1: 22 of 1,611,834 alleles (0.0014%); highest among the groups gnomAD compares: South Asian, 0.0088%; no homozygotes.

Submission:

Labcorp Genetics (formerly Invitae), Labcorp
Classification: Uncertain significance for Encephalopathy, acute, infection-induced, 3, suceptibility to. Last evaluated: 2018-05-23. Review status: criteria provided, single submitter. Criteria: Invitae Variant Classification Sherloc (09022015). Collection method: clinical testing. Allele origin: germline.
Comment: This sequence change replaces alanine with serine at codon 2282 of the RANBP2 protein (p.Ala2282Ser). The alanine residue is highly conserved and there is a moderate physicochemical difference between alanine and serine. The frequency data for this variant in the population databases is considered unreliable, as metrics indicate poor data quality at this position in the ExAC database. This variant has not been reported in the literature in individuals with RANBP2-related disease. Algorithms developed to predict the effect of missense changes on protein structure and function are either unavailable or do not agree on the potential impact of this missense change (SIFT: "Tolerated"; PolyPhen-2: "Possibly Damaging"; Align-GVGD: "Class C0"). In summary, the available evidence is currently insufficient to determine the role of this variant in disease. Therefore, it has been classified as a Variant of Uncertain Significance.

NM_006267.5(RANBP2):c.6844G>T (p.Ala2282Ser)

Gene: RANBP2 (RAN binding protein 2; plus strand). Cytogenetic location: 2q13.
Variant type: single nucleotide variant.
Coding change: c.6844G>T on transcript NM_006267.5 (MANE Select); coding-DNA position 6844, G replaced by T.
Protein change: p.Ala2282Ser; replaces alanine 2282 with serine.
Molecular consequence: missense variant.
Genome position (GRCh38, 1-based): chr2:108,767,383, G>T. VCF-style: chr2-108767383-G-T. GRCh37 (hg19) VCF-style: chr2-109383839-G-T.
Other names: short protein forms A2282S.
Identifiers: ClinVar variation 573339 (VCV000573339.1), dbSNP rs762456750, ClinGen allele CA1823501.